The following is an entry in ClinVar:

NM_133259.4(LRPPRC):c.62C>G (p.Pro21Arg)

Gene: LRPPRC (leucine rich pentatricopeptide repeat containing; minus strand). Cytogenetic location: 2p21.
Variant type: single nucleotide variant.
Coding change: c.62C>G on transcript NM_133259.4 (MANE Select); coding-DNA position 62, C replaced by G.
Protein change: p.Pro21Arg; replaces proline 21 with arginine.
Molecular consequence: missense variant.
Genome position (GRCh38, 1-based): chr2:43,995,886, G>C on the plus strand (C>G on the coding strand, the complement: LRPPRC is on the minus strand). VCF-style: chr2-43995886-G-C. GRCh37 (hg19) VCF-style: chr2-44223025-G-C.
Other names: short protein forms P21R.
Identifiers: ClinVar variation 2071031 (VCV002071031.6), dbSNP rs746496250, ClinGen allele CA1639473.
Genomic context (GRCh38, chr2:43,995,886, plus strand): 5'-GGCAGATAGGAGGCGGCATGCAGCCGGCCCGGGCCGCCAGGGAGGAGGCGCAGGGAGAGC[G>C]GGAGGCGCGGGGCCGCCCCGGCACGCAGCAACCAACGCGCGGATCTCAGCAGGGCTGCCA-3'
Protein context (NP_573566.2, residues 11-31): LLRAGAAPRL[Pro21Arg]LSLRLLPGGP

ClinVar aggregate classification (germline): Uncertain significance. Review status: criteria provided, multiple submitters, no conflicts (2 of 4 stars). 4 submissions from 4 submitters: Uncertain significance (4). Last evaluated 2025-01-15.

Conditions:
Inborn genetic diseases. Identifiers: MedGen C0950123, MeSH D030342.

gnomAD v4.1: 44 of 1,507,840 alleles (0.0029%); highest among the groups gnomAD compares: Non-Finnish European, 0.0034%; no homozygotes.

Submissions (4):

Labcorp Genetics (formerly Invitae), Labcorp
Classification: Uncertain significance. Last evaluated: 2025-01-15. Review status: criteria provided, single submitter. Criteria: Invitae Variant Classification Sherloc (09022015). Collection method: clinical testing. Allele origin: germline.
Comment: This sequence change replaces proline, which is neutral and non-polar, with arginine, which is basic and polar, at codon 21 of the LRPPRC protein (p.Pro21Arg). This variant is present in population databases (rs746496250, gnomAD 0.005%). This variant has not been reported in the literature in individuals affected with LRPPRC-related conditions. ClinVar contains an entry for this variant (Variation ID: 2071031). Experimental studies and prediction algorithms are not available or were not evaluated, and the functional significance of this variant is currently unknown. In summary, the available evidence is currently insufficient to determine the role of this variant in disease. Therefore, it has been classified as a Variant of Uncertain Significance.

Blueprint Genetics
Classification: Uncertain significance. Last evaluated: 2024-10-14. Review status: criteria provided, single submitter. Criteria: ACMG Guidelines, 2015. Collection method: clinical testing. Allele origin: germline.

GeneDx
Classification: Uncertain significance. Last evaluated: 2024-09-04. Review status: criteria provided, single submitter. Criteria: GeneDx Variant Classification Process June 2021. Collection method: clinical testing. Allele origin: germline. Affected: yes.
Comment: Not observed at significant frequency in large population cohorts (gnomAD); In silico analysis indicates that this missense variant does not alter protein structure/function; Has not been previously published as pathogenic or benign to our knowledge

Ambry Genetics
Classification: Uncertain significance for Inborn genetic diseases. Last evaluated: 2022-10-12. Review status: criteria provided, single submitter. Criteria: Ambry Variant Classification Scheme 2023. Collection method: clinical testing. Allele origin: germline.